The following is an entry in ClinVar:

NM_006231.4(POLE):c.5062C>T (p.Pro1688Ser)

Gene: POLE (DNA polymerase epsilon, catalytic subunit; minus strand). Cytogenetic location: 12q24.33.
Variant type: single nucleotide variant.
Coding change: c.5062C>T on transcript NM_006231.4 (MANE Select); coding-DNA position 5062, C replaced by T.
Protein change: p.Pro1688Ser; replaces proline 1688 with serine.
Molecular consequence: missense variant.
Genome position (GRCh38, 1-based): chr12:132,642,288, G>A on the plus strand (C>T on the coding strand, the complement: POLE is on the minus strand). VCF-style: chr12-132642288-G-A. GRCh37 (hg19) VCF-style: chr12-133218874-G-A.
Other names: c.5062C>T (NM_006231.2); short protein forms P1688S.
Identifiers: ClinVar variation 540764 (VCV000540764.13), dbSNP rs781114688, ClinGen allele CA6892633.

ClinVar aggregate classification (germline): Uncertain significance. Review status: criteria provided, multiple submitters, no conflicts (2 of 4 stars). 3 submissions from 3 submitters: Uncertain significance (3). Last evaluated 2026-02-04.

Conditions:
Hereditary cancer-predisposing syndrome. Also called: Neoplastic Syndromes, Hereditary; Hereditary Cancer Syndrome; Hereditary neoplastic syndrome; Tumor predisposition. Identifiers: Orphanet 140162, MedGen C0027672, MeSH D009386, MONDO:0015356.

Allele frequency attached by ClinVar (database versions not stated): gnomAD exomes below 0.00001; TOPMed below 0.00001; ExAC 0.00001.
gnomAD v4.1: 1 of 1,607,632 alleles (0.000062%); highest among the groups gnomAD compares: East Asian, 0.0022%; no homozygotes.

Submissions (3):

Labcorp Genetics (formerly Invitae), Labcorp
Classification: Uncertain significance. Last evaluated: 2026-02-04. Review status: criteria provided, single submitter. Criteria: Invitae Variant Classification Sherloc (09022015). Collection method: clinical testing. Allele origin: germline.
Comment: This sequence change replaces proline, which is neutral and non-polar, with serine, which is neutral and polar, at codon 1688 of the POLE protein (p.Pro1688Ser). This variant is present in population databases (rs781114688, gnomAD 0.006%). This variant has not been reported in the literature in individuals affected with POLE-related conditions. ClinVar contains an entry for this variant (Variation ID: 540764). Invitae Evidence Modeling of protein sequence and biophysical properties (such as structural, functional, and spatial information, amino acid conservation, physicochemical variation, residue mobility, and thermodynamic stability) indicates that this missense variant is not expected to disrupt POLE protein function with a negative predictive value of 80%. In summary, the available evidence is currently insufficient to determine the role of this variant in disease. Therefore, it has been classified as a Variant of Uncertain Significance.

Ambry Genetics
Classification: Uncertain significance for Hereditary cancer-predisposing syndrome. Last evaluated: 2025-01-13. Review status: criteria provided, single submitter. Criteria: Ambry Variant Classification Scheme 2023. Collection method: clinical testing. Allele origin: germline.
Comment: The p.P1688S variant (also known as c.5062C>T), located in coding exon 38 of the POLE gene, results from a C to T substitution at nucleotide position 5062. The proline at codon 1688 is replaced by serine, an amino acid with similar properties. This amino acid position is conserved. In addition, this alteration is predicted to be tolerated by in silico analysis. Since supporting evidence is limited at this time, the clinical significance of this alteration remains unclear.

GeneDx
Classification: Uncertain significance. Last evaluated: 2024-12-17. Review status: criteria provided, single submitter. Criteria: GeneDx Variant Classification Process June 2021. Collection method: clinical testing. Allele origin: germline. Affected: yes.
Comment: In silico analysis supports that this missense variant has a deleterious effect on protein structure/function; Has not been previously published as pathogenic or benign to our knowledge